The following is an entry in ClinVar:

NM_001386298.1(CIC):c.3331C>T (p.Arg1111Trp)

Gene: CIC (capicua transcriptional repressor; plus strand). Cytogenetic location: 19q13.2.
Variant type: single nucleotide variant.
Coding change: c.3331C>T on transcript NM_001386298.1 (MANE Select); coding-DNA position 3331, C replaced by T.
Protein change: p.Arg1111Trp; replaces arginine 1111 with tryptophan.
Molecular consequence: missense variant.
Genome position (GRCh38, 1-based): chr19:42,287,566, C>T. VCF-style: chr19-42287566-C-T. GRCh37 (hg19) VCF-style: chr19-42791718-C-T.
Other names: c.3331C>T, p.Arg1111Trp (NM_001304815.2, NM_001379480.1, NM_001379482.1 and 1 more transcripts); c.604C>T, p.Arg202Trp (NM_001379484.1, NM_001379485.1, NM_015125.5); short protein forms R202W, R1111W.
Identifiers: ClinVar variation 2136191 (VCV002136191.5), dbSNP rs1344635105, ClinGen allele CA406097556.
Genomic context (GRCh38, chr19:42,287,566, plus strand): 5'-AGGTCCTAACTGTCCCGCTCTGGGCTGTGTTTAATGCAGCGGGAGAAGGACCACATCCGG[C>T]GGCCCATGAATGCCTTCATGATCTTCAGCAAGCGGCACCGGGCCCTGGTCCACCAGCGTC-3'
Protein context (NP_001373227.1, residues 1101-1121): PNKREKDHIR[Arg1111Trp]PMNAFMIFSK

ClinVar aggregate classification (germline): Uncertain significance (1 of 4 stars; one submission).
ClinVar aggregate classification (oncogenicity): Likely oncogenic (1 of 4 stars; one submission).

Conditions:
Neoplasm. Also called: tumor; Neoplasms; Neoplasm (disease). Identifiers: MedGen C0027651, MeSH D009369, MONDO:0005070, HP:0002664.

Allele frequency attached by ClinVar (database versions not stated): gnomAD exomes below 0.00001.

Submissions (2):

Center for Genomic Medicine, Rigshospitalet, Copenhagen University Hospital
Classification: Likely oncogenic for Neoplasm. Last evaluated: 2026-10-16. Review status: criteria provided, single submitter. Criteria: ClinGen/CGC/VICC Guidelines for Oncogenicity, 2022. Collection method: clinical testing. Allele origin: somatic. Affected: yes.

GeneDx
Classification: Uncertain significance. Last evaluated: 2023-01-17. Review status: criteria provided, single submitter. Criteria: GeneDx Variant Classification Process June 2021. Collection method: clinical testing. Allele origin: germline. Affected: yes.
Comment: In silico analysis supports that this missense variant has a deleterious effect on protein structure/function; Has not been previously published as pathogenic or benign to our knowledge

Literature cited by the submitters: PubMed 31323153 (cited by Center for Genomic Medicine, Rigshospitalet, Copenhagen University Hospital).